The following is an entry in ClinVar:

ClinVar aggregate classification (germline): Likely pathogenic (1 of 4 stars; one submission).

Conditions:
Zellweger spectrum disorders (ZS). Also called: Zellweger Spectrum Disorder (ZSD); Zellweger syndrome; Zellweger Spectrum Disorder; Zellweger Spectrum. Identifiers: Orphanet 912, MedGen C0043459, MONDO:0019609.

Submission:

Natera, Inc.
Classification: Likely pathogenic for Zellweger syndrome. Last evaluated: 2024-09-05. Review status: criteria provided, single submitter. Criteria: Natera Variant Classification Schema (03/2026). Collection method: clinical testing. Allele origin: germline.
Comment: The c.738_739del variant in PEX2 is a frameshift variant predicted to shift the reading frame beginning at codon 247 and leads to a stop codon 13 codons downstream. This variant is expected to result in nonsense mediated decay, truncation, or a dysfunctional protein product. This variant is rare in the general population with a frequency below the threshold expected for the associated phenotype(s). Given the available evidence, this variant is classified as Likely Pathogenic.

NM_000318.3(PEX2):c.738_739del (p.Cys247fs)

Gene: PEX2 (peroxisomal biogenesis factor 2; minus strand). Cytogenetic location: 8q21.13.
Variant type: Deletion.
Coding change: c.738_739del on transcript NM_000318.3 (MANE Select); coding-DNA positions 738 to 739, 2 bases deleted (AT; older notation c.738_739delAT).
Protein change: p.Cys247fs; shifts the reading frame from cysteine 247.
Molecular consequence: frameshift variant.
Genome position (GRCh38, 1-based): chr8:76,983,440-76,983,441, AT deleted on the plus strand (AT on the coding strand, the reverse complement: PEX2 is on the minus strand); deleting any 2 consecutive bases within chr8:76,983,440-76,983,442 gives the same sequence; the c. name uses the placement nearest the transcript's 3' end. VCF-style (leftmost placement, unchanged base first): chr8-76983439-CAT-C. GRCh37 (hg19) VCF-style: chr8-77895675-CAT-C.
Other names: c.738_739del, p.Cys247fs (NM_001079867.2, NM_001172086.2, NM_001172087.2); short protein forms C247fs.
Identifiers: ClinVar variation 4818161 (VCV004818161.1).